The following is an entry in ClinVar:

ClinVar aggregate classification (germline): Likely benign (1 of 4 stars; one submission).

Conditions:
LRRC45-related disorder. Also called: LRRC45-related condition.

gnomAD v4.1: 1 of 1,609,686 alleles (0.000062%); highest among the groups gnomAD compares: Non-Finnish European, 0.000085%; no homozygotes.

Submission:

PreventionGenetics, part of Exact Sciences
Classification: Likely benign for LRRC45-related condition. Last evaluated: 2026-05-20. Review status: criteria provided, single submitter. Criteria: ACMG Guidelines, 2015. Collection method: clinical testing. Allele origin: germline.
Comment: This variant is classified as likely benign based on ACMG/AMP sequence variant interpretation guidelines (Richards et al. 2015 PMID: 25741868, with internal and published modifications).

NM_144999.4(LRRC45):c.1401G>A (p.Glu467=)

Gene: LRRC45 (leucine rich repeat containing 45; plus strand). Cytogenetic location: 17q25.3.
Variant type: single nucleotide variant.
Coding change: c.1401G>A on transcript NM_144999.4 (MANE Select); coding-DNA position 1401, G replaced by A.
Protein change: p.Glu467=; no amino-acid change (glutamic acid 467 retained).
Molecular consequence: synonymous variant.
Genome position (GRCh38, 1-based): chr17:82,029,185, G>A. VCF-style: chr17-82029185-G-A. GRCh37 (hg19) VCF-style: chr17-79987061-G-A.
Identifiers: ClinVar variation 4983814 (VCV004983814.1).
Genomic context (GRCh38, chr17:82,029,185, plus strand): 5'-TGAGAAGGCCATGCAGGAGCGGGTGCAGAGGCTGGAGGCGGCGCGGCTGTCCCTGGAGGA[G>A]GTGAGTGCCCACCAGGCAGGGCCAAGCTCTGCCTTAGTCCTGGGCTGAACAAGGCAGGGG-3'
Protein context (NP_659436.1, residues 457-477): RLEAARLSLE[Glu467=]ELSRVKAAAL